The following is an entry in ClinVar:

NM_000051.4(ATM):c.8347A>G (p.Asn2783Asp)

Genes: ATM (ATM serine/threonine kinase; plus strand), C11orf65 (chromosome 11 open reading frame 65; minus strand). Cytogenetic location: 11q22.3.
Variant type: single nucleotide variant.
Coding change: c.8347A>G on transcript NM_000051.4 (MANE Select); coding-DNA position 8347, A replaced by G.
Protein change: p.Asn2783Asp; replaces asparagine 2783 with aspartic acid.
Molecular consequence: missense variant. On other transcripts: intron variant (2).
Genome position (GRCh38, 1-based): chr11:108,343,300, A>G. VCF-style: chr11-108343300-A-G. GRCh37 (hg19) VCF-style: chr11-108214027-A-G.
Other names: c.8347A>G, p.Asn2783Asp (NM_001351834.2); c.641-34229T>C (NM_001330368.2); c.695-8008T>C (NM_001351110.2); short protein forms N2783D.
Identifiers: ClinVar variation 3452589 (VCV003452589.1).
Genomic context (GRCh38, chr11:108,343,300, plus strand): 5'-CGAAGTGGTGTTCTTGAATGGTGCACAGGAACTGTCCCCATTGGTGAATTTCTTGTTAAC[A>G]ATGAAGATGGTGCTCATAAAAGATACAGGCCAAATGATTTCAGTGCCTTTCAGTGCCAAA-3'
Protein context (NP_000042.3, residues 2773-2793): TVPIGEFLVN[Asn2783Asp]EDGAHKRYRP

ClinVar aggregate classification (germline): Uncertain significance (1 of 4 stars; one submission).

Conditions:
Hereditary cancer-predisposing syndrome. Also called: Tumor predisposition; Hereditary Cancer Syndrome; Neoplastic Syndromes, Hereditary; Hereditary neoplastic syndrome. Identifiers: Orphanet 140162, MedGen C0027672, MeSH D009386, MONDO:0015356.

Submission:

Ambry Genetics
Classification: Uncertain significance for Hereditary cancer-predisposing syndrome. Last evaluated: 2024-11-12. Review status: criteria provided, single submitter. Criteria: Ambry Variant Classification Scheme 2023. Collection method: clinical testing. Allele origin: germline.
Comment: The p.N2783D variant (also known as c.8347A>G), located in coding exon 56 of the ATM gene, results from an A to G substitution at nucleotide position 8347. The asparagine at codon 2783 is replaced by aspartic acid, an amino acid with highly similar properties. This amino acid position is conserved. In addition, this alteration is predicted to be tolerated by in silico analysis. Based on the available evidence, the clinical significance of this variant remains unclear.